The following is an entry in ClinVar:

ClinVar aggregate classification (germline): Uncertain significance (1 of 4 stars; one submission).

Submission:

Labcorp Genetics (formerly Invitae), Labcorp
Classification: Uncertain significance. Last evaluated: 2025-10-20. Review status: criteria provided, single submitter. Criteria: Invitae Variant Classification Sherloc (09022015). Collection method: clinical testing. Allele origin: germline.
Comment: This sequence change replaces arginine, which is basic and polar, with glutamine, which is neutral and polar, at codon 195 of the ROBO1 protein (p.Arg195Gln). The frequency data for this variant in the population databases is considered unreliable, as metrics indicate poor data quality at this position in the gnomAD database. This variant has not been reported in the literature in individuals affected with ROBO1-related conditions. Invitae Evidence Modeling of protein sequence and biophysical properties (such as structural, functional, and spatial information, amino acid conservation, physicochemical variation, residue mobility, and thermodynamic stability) indicates that this missense variant is not expected to disrupt ROBO1 protein function with a negative predictive value of 95%. In summary, the available evidence is currently insufficient to determine the role of this variant in disease. Therefore, it has been classified as a Variant of Uncertain Significance.

NM_002941.4(ROBO1):c.584G>A (p.Arg195Gln)

Gene: ROBO1 (roundabout guidance receptor 1; minus strand). Cytogenetic location: 3p12.3.
Variant type: single nucleotide variant.
Coding change: c.584G>A on transcript NM_002941.4 (MANE Select); coding-DNA position 584, G replaced by A.
Protein change: p.Arg195Gln; replaces arginine 195 with glutamine.
Molecular consequence: missense variant.
Genome position (GRCh38, 1-based): chr3:78,746,816, C>T on the plus strand (G>A on the coding strand, the complement: ROBO1 is on the minus strand). VCF-style: chr3-78746816-C-T. GRCh37 (hg19) VCF-style: chr3-78795966-C-T.
Other names: c.467G>A, p.Arg156Gln (NM_001145845.2, NM_133631.4); short protein forms R156Q, R195Q.
Identifiers: ClinVar variation 4760328 (VCV004760328.1).